The following is an entry in ClinVar:

ClinVar aggregate classification (germline): Uncertain significance (1 of 4 stars; one submission).

Submission:

GeneDx
Classification: Uncertain significance. Last evaluated: 2018-09-05. Review status: criteria provided, single submitter. Criteria: GeneDx Variant Classification Process June 2021. Collection method: clinical testing. Allele origin: germline. Affected: yes.
Comment: Not observed in large population cohorts (Lek et al., 2016); Canonical splice site variant predicted to result in an in-frame deletion of exon 14; Has not been previously published as pathogenic or benign to our knowledge

NM_006267.5(RANBP2):c.2055+1G>A

Gene: RANBP2 (RAN binding protein 2; plus strand). Cytogenetic location: 2q13.
Variant type: single nucleotide variant.
Coding change: c.2055+1G>A on transcript NM_006267.5 (MANE Select); the canonical splice donor site of the intron after coding-DNA position 2055, G replaced by A.
Molecular consequence: splice donor variant.
Genome position (GRCh38, 1-based): chr2:108,753,564, G>A. VCF-style: chr2-108753564-G-A. GRCh37 (hg19) VCF-style: chr2-109370020-G-A.
Other names: c.2055+1G>A (NM_001415871.1, NM_001415873.1); c.2052+1G>A (NM_001415872.1).
Identifiers: ClinVar variation 1304120 (VCV001304120.2), dbSNP rs2149233034, ClinGen allele CA348053889.